The following is an entry in ClinVar:

ClinVar aggregate classification (germline): Conflicting classifications of pathogenicity. Review status: criteria provided, conflicting classifications (1 of 4 stars). 2 submissions from 2 submitters: Uncertain significance (1); Benign (1). Last evaluated 2025-12-29.

Conditions:
Nebulin-related early-onset distal myopathy. Identifiers: Orphanet 399103, MedGen C5190827, MONDO:0018371.
Nemaline myopathy 2 (NEM2). Also called: Nemaline myopathy 2, autosomal recessive. Identifiers: MedGen C1850569, MONDO:0009725, OMIM 256030.

Allele frequency attached by ClinVar (database versions not stated): gnomAD 0.00002 and 0.00005; TOPMed 0.00002; gnomAD exomes 0.00003 and 0.00007; 1000 Genomes Project 0.00060; 1000 Genomes Project 30x 0.00062.
gnomAD v4.1: 46 of 1,542,804 alleles (0.003%); highest among the groups gnomAD compares: East Asian, 0.074%; no homozygotes.

Submissions (2):

Labcorp Genetics (formerly Invitae), Labcorp
Classification: Benign for Nemaline myopathy 2. Last evaluated: 2025-12-29. Review status: criteria provided, single submitter. Criteria: Invitae Variant Classification Sherloc (09022015). Collection method: clinical testing. Allele origin: germline.

Revvity Omics, Revvity
Classification: Uncertain significance. Last evaluated: 2022-07-01. Review status: criteria provided, single submitter. Criteria: ACMG Guidelines, 2015. Collection method: clinical testing. Allele origin: germline.

NM_001164508.2(NEB):c.24040G>A (p.Val8014Ile)

Genes: RIF1 (replication timing regulatory factor 1; plus strand), NEB (nebulin; minus strand). Cytogenetic location: 2q23.3.
Variant type: single nucleotide variant.
Coding change: c.24040G>A on transcript NM_001164508.2 (MANE Select); coding-DNA position 24040, G replaced by A.
Protein change: p.Val8014Ile; replaces valine 8014 with isoleucine.
Molecular consequence: missense variant. On other transcripts: intron variant (1).
Genome position (GRCh38, 1-based): chr2:151,499,372, C>T on the plus strand (G>A on the coding strand, the complement: NEB is on the minus strand). VCF-style: chr2-151499372-C-T. GRCh37 (hg19) VCF-style: chr2-152355886-C-T.
Other names: c.24040G>A, p.Val8014Ile (NM_001164507.2); c.24145G>A, p.Val8049Ile (NM_001271208.2); c.18826-3004G>A (NM_004543.5); short protein forms V8014I, V8049I.
Identifiers: ClinVar variation 1339896 (VCV001339896.9), dbSNP rs182325166, ClinGen allele CA57670501.